The following is an entry in ClinVar:

NM_015271.5(TRIM2):c.1110C>G (p.Pro370=)

Gene: TRIM2 (tripartite motif containing 2; plus strand). Cytogenetic location: 4q31.3.
Variant type: single nucleotide variant.
Coding change: c.1110C>G on transcript NM_015271.5 (MANE Select); coding-DNA position 1110, C replaced by G.
Protein change: p.Pro370=; no amino-acid change (proline 370 retained).
Molecular consequence: synonymous variant.
Genome position (GRCh38, 1-based): chr4:153,295,636, C>G. VCF-style: chr4-153295636-C-G. GRCh37 (hg19) VCF-style: chr4-154216788-C-G.
Other names: c.1029C>G, p.Pro343= (NM_001130067.2, NM_001351056.2, NM_001375512.1 and 5 more transcripts); c.1083C>G, p.Pro361= (NM_001351054.2); c.1080C>G, p.Pro360= (NM_001351055.2); c.654C>G, p.Pro218= (NM_001351057.2); c.1203C>G, p.Pro401= (NM_001375488.1); c.1200C>G, p.Pro400= (NM_001375489.1); c.1053C>G, p.Pro351= (NM_001375490.1); c.1050C>G, p.Pro350= (NM_001375491.1); and 3 more.
Identifiers: ClinVar variation 705085 (VCV000705085.31), dbSNP rs1579434513, ClinGen allele CA442006233.

ClinVar aggregate classification (germline): Likely benign. Review status: criteria provided, multiple submitters, no conflicts (2 of 4 stars). 2 submissions from 2 submitters: Likely benign (2). Last evaluated 2023-08-01.

Conditions:
Charcot-Marie-Tooth disease type 2R. Also called: CHARCOT-MARIE-TOOTH NEUROPATHY, TYPE 2R; CHARCOT-MARIE-TOOTH DISEASE, AXONAL, AUTOSOMAL RECESSIVE, TYPE 2R; Charcot-Marie-Tooth disease, axonal, type 2R. Identifiers: Orphanet 397968, MedGen C3809655, MONDO:0014208, OMIM 615490.

Allele frequency attached by ClinVar (database versions not stated): gnomAD exomes 0.00001.
gnomAD v4.1: 20 of 1,613,950 alleles (0.0012%); highest among the groups gnomAD compares: Non-Finnish European, 0.0014%; no homozygotes.

Submissions (2):

CeGaT Center for Human Genetics Tuebingen
Classification: Likely benign. Last evaluated: 2023-08-01. Review status: criteria provided, single submitter. Criteria: CeGaT Center For Human Genetics Tuebingen Variant Classification Criteria Version 2. Collection method: clinical testing. Allele origin: germline. Affected: yes. Observed: 1 variant allele.
Comment: TRIM2: PM2:Supporting, BP4, BP7

Labcorp Genetics (formerly Invitae), Labcorp
Classification: Likely benign for Charcot-Marie-Tooth disease type 2R. Last evaluated: 2023-06-17. Review status: criteria provided, single submitter. Criteria: Invitae Variant Classification Sherloc (09022015). Collection method: clinical testing. Allele origin: germline.